The following is an entry in ClinVar:

ClinVar aggregate classification (germline): Uncertain significance (1 of 4 stars; one submission).

Conditions:
PLXNA4-related disorder. Also called: PLXNA4-related condition.

gnomAD v4.1: 4 of 1,578,830 alleles (0.00025%); highest among the groups gnomAD compares: Admixed American, 0.0018%; no homozygotes.

Submission:

PreventionGenetics, part of Exact Sciences
Classification: Uncertain significance for PLXNA4-related condition. Last evaluated: 2025-10-28. Review status: criteria provided, single submitter. Criteria: ACMG Guidelines, 2015. Collection method: clinical testing. Allele origin: germline.
Comment: The PLXNA4 c.2137C>T variant is predicted to result in the amino acid substitution p.Pro713Ser. To our knowledge, this variant has not been reported in the literature. This variant is reported in 0.0% of alleles in individuals of African descent in gnomAD. At this time, the clinical significance of this variant is uncertain due to the absence of conclusive functional and genetic evidence.

NM_020911.2(PLXNA4):c.2137C>T (p.Pro713Ser)

Gene: PLXNA4 (plexin A4; minus strand). Cytogenetic location: 7q32.3.
Variant type: single nucleotide variant.
Coding change: c.2137C>T on transcript NM_020911.2 (MANE Select); coding-DNA position 2137, C replaced by T.
Protein change: p.Pro713Ser; replaces proline 713 with serine.
Molecular consequence: missense variant.
Genome position (GRCh38, 1-based): chr7:132,211,104, G>A on the plus strand (C>T on the coding strand, the complement: PLXNA4 is on the minus strand). VCF-style: chr7-132211104-G-A. GRCh37 (hg19) VCF-style: chr7-131895863-G-A.
Other names: c.2137C>T, p.Pro713Ser (NM_001393897.1); short protein forms P713S.
Identifiers: ClinVar variation 4986442 (VCV004986442.1).